The following is an entry in ClinVar:

NM_004113.6(FGF12):c.14-47644G>A

Gene: FGF12 (fibroblast growth factor 12; minus strand). Cytogenetic location: 3q28.
Variant type: single nucleotide variant.
Coding change: c.14-47644G>A on transcript NM_004113.6 (MANE Select); 47644 bases into the intron before coding-DNA position 14, G replaced by A.
Molecular consequence: intron variant. On other transcripts: synonymous variant (1).
Genome position (GRCh38, 1-based): chr3:192,408,182, C>T on the plus strand (G>A on the coding strand, the complement: FGF12 is on the minus strand). VCF-style: chr3-192408182-C-T. GRCh37 (hg19) VCF-style: chr3-192125971-C-T.
Other names: c.42G>A (NM_021032.4); c.42G>A, p.Arg14= (NM_021032.5); c.-59-47644G>A (NM_001377293.1); c.14-72718G>A (NM_001377292.1); c.-60+1330G>A (NM_001377294.1).
Identifiers: ClinVar variation 1335554 (VCV001335554.42), dbSNP rs373695963, ClinGen allele CA2755905.

ClinVar aggregate classification (germline): Likely benign. Review status: criteria provided, multiple submitters, no conflicts (2 of 4 stars). 4 submissions from 4 submitters: Likely benign (4). Last evaluated 2026-01-09.

Conditions:
FGF12-related disorder. Also called: FGF12-related condition.

Allele frequency attached by ClinVar (database versions not stated): gnomAD 0.00012 and 0.00013; gnomAD exomes 0.00012 and 0.00014; TOPMed 0.00015; ESP Exome Variant Server 0.00016; ExAC 0.00017.

Submissions (4):

Labcorp Genetics (formerly Invitae), Labcorp
Classification: Likely benign. Last evaluated: 2026-01-09. Review status: criteria provided, single submitter. Criteria: Invitae Variant Classification Sherloc (09022015). Collection method: clinical testing. Allele origin: germline.

PreventionGenetics, part of Exact Sciences
Classification: Likely benign for FGF12-related condition. Last evaluated: 2026-01-02. Review status: criteria provided, single submitter. Criteria: ACMG Guidelines, 2015. Collection method: clinical testing. Allele origin: germline.
Comment: This variant is classified as likely benign based on ACMG/AMP sequence variant interpretation guidelines (Richards et al. 2015 PMID: 25741868, with internal and published modifications).

Blueprint Genetics
Classification: Likely benign. Last evaluated: 2024-04-15. Review status: criteria provided, single submitter. Criteria: ACMG Guidelines, 2015. Collection method: clinical testing. Allele origin: germline.

CeGaT Center for Human Genetics Tuebingen
Classification: Likely benign. Last evaluated: 2021-10-01. Review status: criteria provided, single submitter. Criteria: CeGaT Center For Human Genetics Tuebingen Variant Classification Criteria Version 2. Collection method: clinical testing. Allele origin: germline. Affected: yes. Observed: 1 variant allele.